The following is an entry in ClinVar:

NM_020207.7(ERCC6L2):c.1793T>C (p.Val598Ala)

Gene: ERCC6L2 (ERCC excision repair 6 like 2; plus strand). Cytogenetic location: 9q22.32.
Variant type: single nucleotide variant.
Coding change: c.1793T>C on transcript NM_020207.7 (MANE Select); coding-DNA position 1793, T replaced by C.
Protein change: p.Val598Ala; replaces valine 598 with alanine.
Molecular consequence: missense variant. On other transcripts: non-coding transcript variant (1).
Genome position (GRCh38, 1-based): chr9:95,941,495, T>C. VCF-style: chr9-95941495-T-C. GRCh37 (hg19) VCF-style: chr9-98703777-T-C.
Other names: c.1793T>C, p.Val598Ala (NM_001010895.4, NM_001375291.1, NM_001375292.1 and 2 more transcripts); short protein forms V598A.
Identifiers: ClinVar variation 4019355 (VCV004019355.1).

ClinVar aggregate classification (germline): Uncertain significance (1 of 4 stars; one submission).

Conditions:
Inborn genetic diseases. Identifiers: MedGen C0950123, MeSH D030342.

Submission:

Ambry Genetics
Classification: Uncertain significance for Inborn genetic diseases. Last evaluated: 2025-05-16. Review status: criteria provided, single submitter. Criteria: Ambry Variant Classification Scheme 2023. Collection method: clinical testing. Allele origin: germline.
Comment: The p.V598A variant (also known as c.1793T>C), located in coding exon 12 of the ERCC6L2 gene, results from a T to C substitution at nucleotide position 1793. The valine at codon 598 is replaced by alanine, an amino acid with similar properties. This amino acid position is conserved. In addition, this alteration is predicted to be deleterious by in silico analysis. Based on the available evidence, the clinical significance of this variant remains unclear.